The following is an entry in ClinVar:

NM_000051.4(ATM):c.5704G>T (p.Asp1902Tyr)

Gene: ATM (ATM serine/threonine kinase; plus strand). Cytogenetic location: 11q22.3.
Variant type: single nucleotide variant.
Coding change: c.5704G>T on transcript NM_000051.4 (MANE Select); coding-DNA position 5704, G replaced by T.
Protein change: p.Asp1902Tyr; replaces aspartic acid 1902 with tyrosine.
Molecular consequence: missense variant.
Genome position (GRCh38, 1-based): chr11:108,307,926, G>T. VCF-style: chr11-108307926-G-T. GRCh37 (hg19) VCF-style: chr11-108178653-G-T.
Other names: c.5704G>T, p.Asp1902Tyr (NM_001351834.2); short protein forms D1902Y.
Identifiers: ClinVar variation 568339 (VCV000568339.8), dbSNP rs1565486050, ClinGen allele CA382547853.

ClinVar aggregate classification (germline): Uncertain significance (1 of 4 stars; one submission).

Conditions:
Ataxia-telangiectasia syndrome (AT). Also called: Ataxia telangiectasia (A-T); Ataxia-telangiectasia, complementation group D; AT, COMPLEMENTATION GROUP C; ATAXIA-TELANGIECTASIA, COMPLEMENTATION GROUP A; Ataxia-telangiectasia, complementation group E; ATAXIA-TELANGIECTASIA, FRESNO VARIANT. Identifiers: Orphanet 100, MedGen C0004135, MONDO:0008840, OMIM 208900.

Allele frequency attached by ClinVar (database versions not stated): gnomAD exomes below 0.00001.
gnomAD v4.1: 1 of 1,613,812 alleles (0.000062%); highest among the groups gnomAD compares: Non-Finnish European, 0.000085%; no homozygotes.

Submission:

Labcorp Genetics (formerly Invitae), Labcorp
Classification: Uncertain significance for Ataxia-telangiectasia syndrome. Last evaluated: 2022-05-12. Review status: criteria provided, single submitter. Criteria: Invitae Variant Classification Sherloc (09022015). Collection method: clinical testing. Allele origin: germline.
Comment: In summary, the available evidence is currently insufficient to determine the role of this variant in disease. Therefore, it has been classified as a Variant of Uncertain Significance. Algorithms developed to predict the effect of sequence changes on RNA splicing suggest that this variant may disrupt the consensus splice site. Advanced modeling of protein sequence and biophysical properties (such as structural, functional, and spatial information, amino acid conservation, physicochemical variation, residue mobility, and thermodynamic stability) performed at Invitae indicates that this missense variant is not expected to disrupt ATM protein function. ClinVar contains an entry for this variant (Variation ID: 568339). This variant has not been reported in the literature in individuals affected with ATM-related conditions. This variant is not present in population databases (gnomAD no frequency). This sequence change replaces aspartic acid, which is acidic and polar, with tyrosine, which is neutral and polar, at codon 1902 of the ATM protein (p.Asp1902Tyr).